The following is an entry in ClinVar:

NM_001271.4(CHD2):c.3628A>G (p.Ile1210Val)

Gene: CHD2 (chromodomain helicase DNA binding protein 2; plus strand). Cytogenetic location: 15q26.1.
Variant type: single nucleotide variant.
Coding change: c.3628A>G on transcript NM_001271.4 (MANE Select); coding-DNA position 3628, A replaced by G.
Protein change: p.Ile1210Val; replaces isoleucine 1210 with valine.
Molecular consequence: missense variant.
Genome position (GRCh38, 1-based): chr15:92,996,989, A>G. VCF-style: chr15-92996989-A-G. GRCh37 (hg19) VCF-style: chr15-93540219-A-G.
Other names: short protein forms I1210V.
Identifiers: ClinVar variation 2077476 (VCV002077476.4), dbSNP rs745563604, ClinGen allele CA7748279.

ClinVar aggregate classification (germline): Uncertain significance (1 of 4 stars; one submission).

Conditions:
Developmental and epileptic encephalopathy 94 (DEE94). Also called: Epileptic encephalopathy, childhood-onset; CHD2-Related Neurodevelopmental Disorders. Identifiers: Orphanet 1942, Orphanet 2382, MedGen C3809278, MONDO:0014150, OMIM 615369.

Allele frequency attached by ClinVar (database versions not stated): ExAC 0.00001; gnomAD 0.00001.
gnomAD v4.1: 13 of 1,612,098 alleles (0.00081%); highest among the groups gnomAD compares: South Asian, 0.01%; no homozygotes.

Submission:

Labcorp Genetics (formerly Invitae), Labcorp
Classification: Uncertain significance for Developmental and epileptic encephalopathy 94. Last evaluated: 2024-12-08. Review status: criteria provided, single submitter. Criteria: Invitae Variant Classification Sherloc (09022015). Collection method: clinical testing. Allele origin: germline.
Comment: This sequence change replaces isoleucine, which is neutral and non-polar, with valine, which is neutral and non-polar, at codon 1210 of the CHD2 protein (p.Ile1210Val). This variant is present in population databases (rs745563604, gnomAD 0.01%). This variant has not been reported in the literature in individuals affected with CHD2-related conditions. ClinVar contains an entry for this variant (Variation ID: 2077476). Invitae Evidence Modeling of protein sequence and biophysical properties (such as structural, functional, and spatial information, amino acid conservation, physicochemical variation, residue mobility, and thermodynamic stability) indicates that this missense variant is not expected to disrupt CHD2 protein function with a negative predictive value of 95%. In summary, the available evidence is currently insufficient to determine the role of this variant in disease. Therefore, it has been classified as a Variant of Uncertain Significance.